The following is an entry in ClinVar:

ClinVar aggregate classification (germline): Uncertain significance (1 of 4 stars; one submission).

Conditions:
Vitelliform macular dystrophy 5. Identifiers: Orphanet 99000, MedGen C4015343, MONDO:0014509, OMIM 616152.

Allele frequency attached by ClinVar (database versions not stated): TOPMed below 0.00001.

Submission:

Center for Human Genetics and Genomic Medicine, Uniklinik Rwth Aachen
Classification: Uncertain significance for Vitelliform macular dystrophy 5. Last evaluated: 2022-10-24. Review status: criteria provided, single submitter. Criteria: ACMG Guidelines, 2015. Collection method: clinical testing. Allele origin: inherited. Inheritance: Autosomal dominant inheritance. Affected: yes. Observed: 1 heterozygote.
Comment: The detected variant has not yet been reported in the databases dbSNP151 and gnomAD or the literature. Bioinformatic prediction programmes for splice variants predict a loss of the canonical acceptor splice site c.86 of exon 2 (MaxENT -91.8%, SSF -100%). Based on current knowledge, the variant is to be classified as a "variant of unknown clinical significance" (ACMG criteria).

NM_016247.4(IMPG2):c.86-8C>G

Gene: IMPG2 (interphotoreceptor matrix proteoglycan 2; minus strand). Cytogenetic location: 3q12.3.
Variant type: single nucleotide variant.
Coding change: c.86-8C>G on transcript NM_016247.4 (MANE Select); 8 bases into the intron before coding-DNA position 86, C replaced by G.
Molecular consequence: intron variant.
Genome position (GRCh38, 1-based): chr3:101,319,840, G>C on the plus strand (C>G on the coding strand, the complement: IMPG2 is on the minus strand). VCF-style: chr3-101319840-G-C. GRCh37 (hg19) VCF-style: chr3-101038684-G-C.
Identifiers: ClinVar variation 1801828 (VCV001801828.2), dbSNP rs2058802885, ClinGen allele CA1388670458.
Genomic context (GRCh38, chr3:101,319,840, plus strand): 5'-AGAAACTGCACTCTTGGGTTCTTGGATCTCCTCTATAGATAAGTAGGTTTGTGCTACAGA[G>C]TGAAAGTATAGTCAAGTCTTCGATAATGAAGATACAGTACAAAAGGTAACAACTAAAGAA-3'